The following is an entry in ClinVar:

NM_017763.6(RNF43):c.2229G>T (p.Gly743=)

Gene: RNF43 (ring finger protein 43; minus strand). Cytogenetic location: 17q22.
Variant type: single nucleotide variant.
Coding change: c.2229G>T on transcript NM_017763.6 (MANE Select); coding-DNA position 2229, G replaced by T.
Protein change: p.Gly743=; no amino-acid change (glycine 743 retained).
Molecular consequence: synonymous variant.
Genome position (GRCh38, 1-based): chr17:58,357,547, C>A on the plus strand (G>T on the coding strand, the complement: RNF43 is on the minus strand). VCF-style: chr17-58357547-C-A. GRCh37 (hg19) VCF-style: chr17-56434908-C-A.
Other names: c.2229G>T, p.Gly743= (NM_001305544.3, NM_001438820.1, NM_001438821.1 and 1 more transcripts); c.1848G>T, p.Gly616= (NM_001305545.2, NM_001437987.1).
Identifiers: ClinVar variation 4863402 (VCV004863402.2).
Genomic context (GRCh38, chr17:58,357,547, plus strand): 5'-CTGGCAGTGCGGATAAGGGCATGGCCTGCCCTCTGCGGTGTCAGAACTCCATTCAGAAGG[C>A]CCCTCCCCAGGTGGATGTGGTTCCAGGGGCTGGCGAGGAGTCAGGCACAACCACACTGGC-3'
Protein context (NP_060233.3, residues 733-753): QPLEPHPPGE[Gly743=]PSEWSSDTAE

ClinVar aggregate classification (germline): Benign/Likely benign. Review status: criteria provided, multiple submitters, no conflicts (2 of 4 stars). 2 submissions from 2 submitters: Benign (1); Likely benign (1). Last evaluated 2026-07-02.

Conditions:
Sessile serrated polyposis cancer syndrome (SSPCS). Identifiers: Orphanet 157798, MedGen C4310714, MONDO:0014919, OMIM 617108.

gnomAD v4.1: 1 of 1,614,214 alleles (0.000062%); highest among the groups gnomAD compares: Non-Finnish European, 0.000085%; no homozygotes.

Submissions (2):

Myriad Genetics, Inc.
Classification: Benign for Sessile serrated polyposis cancer syndrome. Last evaluated: 2026-07-02. Review status: criteria provided, single submitter. Criteria: Myriad Autosomal Dominant, Autosomal Recessive and X-Linked Classification Criteria (2023). Collection method: clinical testing. Allele origin: unknown.
Comment: This variant is considered benign. This variant is a silent/synonymous amino acid change and it is not expected to impact splicing.

Ambry Genetics
Classification: Likely benign. Last evaluated: 2026-04-20. Review status: criteria provided, single submitter. Criteria: Ambry Variant Classification Scheme 2023. Collection method: clinical testing. Allele origin: germline.